The following is an entry in ClinVar:

ClinVar aggregate classification (germline): Uncertain significance. Review status: criteria provided, multiple submitters, no conflicts (2 of 4 stars). 2 submissions from 2 submitters: Uncertain significance (2). Last evaluated 2026-01-11.

Conditions:
Myopathy, centronuclear, 2 (CNM2). Also called: MYOTUBULAR MYOPATHY, AUTOSOMAL RECESSIVE. Identifiers: Orphanet 169186, MedGen CN031787, MONDO:0009709, OMIM 255200.
Inborn genetic diseases. Identifiers: MedGen C0950123, MeSH D030342.

Allele frequency attached by ClinVar (database versions not stated): gnomAD 0.00002; gnomAD exomes 0.00002; TOPMed 0.00001; ExAC 0.00003.
gnomAD v4.1: 34 of 1,611,788 alleles (0.0021%); highest among the groups gnomAD compares: African/African-American, 0.0053%; no homozygotes.

Submissions (2):

Labcorp Genetics (formerly Invitae), Labcorp
Classification: Uncertain significance for Myopathy, centronuclear, 2. Last evaluated: 2026-01-11. Review status: criteria provided, single submitter. Criteria: Invitae Variant Classification Sherloc (09022015). Collection method: clinical testing. Allele origin: germline.
Comment: This sequence change replaces threonine, which is neutral and polar, with methionine, which is neutral and non-polar, at codon 56 of the BIN1 protein (p.Thr56Met). This variant is present in population databases (rs758360325, gnomAD 0.01%). This variant has not been reported in the literature in individuals affected with BIN1-related conditions. ClinVar contains an entry for this variant (Variation ID: 1909275). An algorithm developed to predict the effect of missense changes on protein structure and function (PolyPhen-2) suggests that this variant is likely to be tolerated. In summary, the available evidence is currently insufficient to determine the role of this variant in disease. Therefore, it has been classified as a Variant of Uncertain Significance.

Ambry Genetics
Classification: Uncertain significance for Inborn genetic diseases. Last evaluated: 2021-07-14. Review status: criteria provided, single submitter. Criteria: Ambry Variant Classification Scheme 2023. Collection method: clinical testing. Allele origin: germline.

NM_139343.3(BIN1):c.167C>T (p.Thr56Met)

Gene: BIN1 (bridging integrator 1; minus strand). Cytogenetic location: 2q14.3.
Variant type: single nucleotide variant.
Coding change: c.167C>T on transcript NM_139343.3 (MANE Select); coding-DNA position 167, C replaced by T.
Protein change: p.Thr56Met; replaces threonine 56 with methionine.
Molecular consequence: missense variant.
Genome position (GRCh38, 1-based): chr2:127,070,815, G>A on the plus strand (C>T on the coding strand, the complement: BIN1 is on the minus strand). VCF-style: chr2-127070815-G-A. GRCh37 (hg19) VCF-style: chr2-127828391-G-A.
Other names: c.167C>T, p.Thr56Met (NM_001320632.2, NM_001320633.2, NM_001320640.2 and 10 more transcripts); c.95C>T, p.Thr32Met (NM_001320634.1); c.86C>T, p.Thr29Met (NM_001320642.1); short protein forms T32M, T29M, T56M.
Identifiers: ClinVar variation 1909275 (VCV001909275.6), dbSNP rs758360325, ClinGen allele CA1857563.
Genomic context (GRCh38, chr2:127,070,815, plus strand): 5'-CTCCTACCTTTGACGGAGGCCAGGTAGGTCCGGAGATCCTTCTGCAGCCGGGTGCCCTCC[G>A]TCTGCAAAGAGAAGGACAAGGACCAGGTCAGGGACTGGTGGCACACCCAGTCCCTGACCC-3'
Protein context (NP_647593.1, residues 46-66): QCVQNFNKQL[Thr56Met]EGTRLQKDLR